The following is an entry in ClinVar:

ClinVar aggregate classification (germline): Pathogenic (1 of 4 stars; one submission).

Submission:

Labcorp Genetics (formerly Invitae), Labcorp
Classification: Pathogenic. Last evaluated: 2022-06-29. Review status: criteria provided, single submitter. Criteria: Invitae Variant Classification Sherloc (09022015). Collection method: clinical testing. Allele origin: germline.
Comment: This sequence change creates a premature translational stop signal (p.Gln207*) in the IL2RB gene. It is expected to result in an absent or disrupted protein product. Loss-of-function variants in IL2RB are known to be pathogenic (PMID: 31040185). This variant is not present in population databases (gnomAD no frequency). This variant has not been reported in the literature in individuals affected with IL2RB-related conditions. For these reasons, this variant has been classified as Pathogenic.

Literature cited by the submitters: PubMed 31040185.

NM_000878.5(IL2RB):c.619C>T (p.Gln207Ter)

Gene: IL2RB (interleukin 2 receptor subunit beta; minus strand). Cytogenetic location: 22q12.3.
Variant type: single nucleotide variant.
Coding change: c.619C>T on transcript NM_000878.5 (MANE Select); coding-DNA position 619, C replaced by T.
Protein change: p.Gln207Ter; replaces glutamine 207 with a stop codon.
Molecular consequence: nonsense.
Genome position (GRCh38, 1-based): chr22:37,136,312, G>A on the plus strand (C>T on the coding strand, the complement: IL2RB is on the minus strand). VCF-style: chr22-37136312-G-A. GRCh37 (hg19) VCF-style: chr22-37532352-G-A.
Other names: c.619C>T, p.Gln207Ter (NM_001346222.1, NM_001346223.2); short protein forms Q207*.
Identifiers: ClinVar variation 2184249 (VCV002184249.1), dbSNP rs2517838673, ClinGen allele CA411427380.
Genomic context (GRCh38, chr22:37,136,312, plus strand): 5'-GGGGCTGGCTCCAGGGGCTCCAGGTCGTGAACTCGCCTTGCAGAGGCTTGACCCGCACCT[G>A]AAACTCATACTGGGTGTCTGGGGTGAGCGTCTCCAGGCAGATCCATTCCTGCTTCTGCTT-3'